The following is an entry in ClinVar:

ClinVar aggregate classification (germline): Conflicting classifications of pathogenicity. Review status: criteria provided, conflicting classifications (1 of 4 stars). 2 submissions from 2 submitters: Uncertain significance (1); Likely benign (1). Last evaluated 2024-06-23.

Conditions:
Primary dilated cardiomyopathy (DCM). Also called: Dilated Cardiomyopathy. Identifiers: Orphanet 217604, MedGen C0007193, MeSH D002311, MONDO:0005021, HP:0001644. Inheritance: Various modes of inheritance.

Allele frequency attached by ClinVar (database versions not stated): gnomAD exomes below 0.00001; TOPMed 0.00001.
gnomAD v4.1: 4 of 1,571,884 alleles (0.00025%); highest among the groups gnomAD compares: Non-Finnish European, 0.00026%; no homozygotes.

Submissions (2):

Ambry Genetics
Classification: Likely benign. Last evaluated: 2024-06-23. Review status: criteria provided, single submitter. Criteria: Ambry Variant Classification Scheme 2023. Collection method: clinical testing. Allele origin: germline.

Labcorp Genetics (formerly Invitae), Labcorp
Classification: Uncertain significance for Primary dilated cardiomyopathy. Last evaluated: 2023-09-21. Review status: criteria provided, single submitter. Criteria: Invitae Variant Classification Sherloc (09022015). Collection method: clinical testing. Allele origin: germline.
Comment: In summary, the available evidence is currently insufficient to determine the role of this variant in disease. Therefore, it has been classified as a Variant of Uncertain Significance. Algorithms developed to predict the effect of sequence changes on RNA splicing suggest that this variant may disrupt the consensus splice site. This variant has not been reported in the literature in individuals affected with NEBL-related conditions. This variant is not present in population databases (gnomAD no frequency). This sequence change affects codon 404 of the NEBL mRNA. It is a 'silent' change, meaning that it does not change the encoded amino acid sequence of the NEBL protein.

NM_006393.3(NEBL):c.1212C>T (p.Thr404=)

Gene: NEBL (nebulette; minus strand). Cytogenetic location: 10p12.31.
Variant type: single nucleotide variant.
Coding change: c.1212C>T on transcript NM_006393.3 (MANE Select); coding-DNA position 1212, C replaced by T.
Protein change: p.Thr404=; no amino-acid change (threonine 404 retained).
Molecular consequence: synonymous variant. On other transcripts: intron variant (9).
Genome position (GRCh38, 1-based): chr10:20,845,273, G>A on the plus strand (C>T on the coding strand, the complement: NEBL is on the minus strand). VCF-style: chr10-20845273-G-A. GRCh37 (hg19) VCF-style: chr10-21134202-G-A.
Other names: c.250-32333C>T (NM_001377326.1, NM_001377327.1, NM_001377328.1); c.358-32333C>T (NM_213569.2, NM_001173484.2, NM_001377322.1); c.301-32333C>T (NM_001377324.1); c.292-32333C>T (NM_001377325.1); c.310-32333C>T (NM_001377323.1).
Identifiers: ClinVar variation 2896591 (VCV002896591.4), dbSNP rs931654806, ClinGen allele CA204174213.